The following is an entry in ClinVar:

NM_002691.4(POLD1):c.971-4G>A

Gene: POLD1 (DNA polymerase delta 1, catalytic subunit; plus strand). Cytogenetic location: 19q13.33.
Variant type: single nucleotide variant.
Coding change: c.971-4G>A on transcript NM_002691.4 (MANE Select); 4 bases into the intron before coding-DNA position 971, G replaced by A.
Molecular consequence: intron variant.
Genome position (GRCh38, 1-based): chr19:50,403,049, G>A. VCF-style: chr19-50403049-G-A. GRCh37 (hg19) VCF-style: chr19-50906306-G-A.
Other names: c.971-4G>A (LRG_785t2, LRG_785t1, NM_001256849.1 and 1 more transcripts).
Identifiers: ClinVar variation 239378 (VCV000239378.31), dbSNP rs200144991, ClinGen allele CA9595996.

ClinVar aggregate classification (germline): Benign/Likely benign. Review status: criteria provided, multiple submitters, no conflicts (2 of 4 stars). 12 submissions from 12 submitters: Benign (7); Likely benign (5). Last evaluated 2026-03-05.

Conditions:
Hereditary cancer-predisposing syndrome. Also called: Hereditary Cancer Syndrome; Neoplastic Syndromes, Hereditary; Hereditary neoplastic syndrome; Tumor predisposition. Identifiers: Orphanet 140162, MedGen C0027672, MeSH D009386, MONDO:0015356.
POLD1-related polyposis and colorectal cancer syndrome (CRCS10). Also called: COLORECTAL CANCER, SUSCEPTIBILITY TO, ON CHROMOSOME 19q; Colorectal cancer 10; Colorectal cancer, susceptibility to, 10. Identifiers: Orphanet 220460, MedGen C2675481, MONDO:0012953, OMIM 612591.

Allele frequency attached by ClinVar (database versions not stated): ExAC 0.00074; ESP Exome Variant Server 0.00133; gnomAD 0.00145 and 0.00152; TOPMed 0.00154; 1000 Genomes Project 30x 0.00219; 1000 Genomes Project 0.00220.
gnomAD v4.1: 444 of 1,555,740 alleles (0.029%); highest among the groups gnomAD compares: African/African-American, 0.51%; 4 homozygotes.

Submissions (12):

Myriad Genetics, Inc.
Classification: Benign for POLD1-related polyposis and colorectal cancer syndrome. Last evaluated: 2026-03-05. Review status: criteria provided, single submitter. Criteria: Myriad Autosomal Dominant, Autosomal Recessive and X-Linked Classification Criteria (2023). Collection method: clinical testing. Allele origin: unknown.
Comment: This variant is considered benign. This variant is intronic and is not expected to impact mRNA splicing. This variant has been observed at a population frequency that is significantly greater than expected given the associated disease prevalence and penetrance.

Labcorp Genetics (formerly Invitae), Labcorp
Classification: Benign for POLD1-related polyposis and colorectal cancer syndrome. Last evaluated: 2026-02-04. Review status: criteria provided, single submitter. Criteria: Invitae Variant Classification Sherloc (09022015). Collection method: clinical testing. Allele origin: germline.

Center for Genomic Medicine, Rigshospitalet, Copenhagen University Hospital
Classification: Likely benign. Last evaluated: 2025-03-04. Review status: criteria provided, single submitter. Criteria: ACMG Guidelines, 2015. Collection method: clinical testing. Allele origin: germline.

Blueprint Genetics
Classification: Likely benign. Last evaluated: 2024-10-08. Review status: criteria provided, single submitter. Criteria: ACMG Guidelines, 2015. Collection method: clinical testing. Allele origin: germline.

KCCC/NGS Laboratory, Kuwait Cancer Control Center
Classification: Benign for POLD1-related polyposis and colorectal cancer syndrome. Last evaluated: 2023-07-07. Review status: criteria provided, single submitter. Criteria: ACMG Guidelines, 2015. Collection method: clinical testing. Allele origin: germline. Affected: yes.

Quest Diagnostics Nichols Institute San Juan Capistrano
Classification: Benign. Last evaluated: 2022-10-17. Review status: criteria provided, single submitter. Criteria: Quest Diagnostics criteria. Collection method: clinical testing. Allele origin: unknown.

Women's Health and Genetics/Laboratory Corporation of America, LabCorp
Classification: Benign. Last evaluated: 2022-04-19. Review status: criteria provided, single submitter. Criteria: LabCorp Variant Classification Summary - May 2015. Collection method: clinical testing. Allele origin: germline.

Sema4
Classification: Benign for Hereditary cancer-predisposing syndrome. Last evaluated: 2020-12-07. Review status: criteria provided, single submitter. Criteria: Sema4 Curation Guidelines. Collection method: curation. Allele origin: germline.

Ambry Genetics
Classification: Likely benign for Hereditary cancer-predisposing syndrome. Last evaluated: 2018-07-24. Review status: criteria provided, single submitter. Criteria: Ambry Variant Classification Scheme 2023. Collection method: clinical testing. Allele origin: germline.

GeneDx
Classification: Likely benign. Last evaluated: 2017-12-26. Review status: criteria provided, single submitter. Criteria: GeneDx Variant Classification (06012015). Collection method: clinical testing. Allele origin: germline. Affected: yes.
Comment: This variant is considered likely benign or benign based on one or more of the following criteria: it is a conservative change, it occurs at a poorly conserved position in the protein, it is predicted to be benign by multiple in silico algorithms, and/or has population frequency not consistent with disease.

PreventionGenetics, part of Exact Sciences
Classification: Benign. Last evaluated: 2017-11-02. Review status: criteria provided, single submitter. Criteria: ACMG Guidelines, 2015. Collection method: clinical testing. Allele origin: germline.

Genetic Services Laboratory, University of Chicago
Classification: Likely benign. Last evaluated: 2016-10-25. Review status: criteria provided, single submitter. Criteria: ACMG Guidelines, 2015. Collection method: clinical testing. Allele origin: germline. Affected: no.